The following is an entry in ClinVar:

ClinVar aggregate classification (germline): Uncertain significance (1 of 4 stars; one submission).

Submission:

GeneDx
Classification: Uncertain significance. Last evaluated: 2022-11-30. Review status: criteria provided, single submitter. Criteria: GeneDx Variant Classification Process June 2021. Collection method: clinical testing. Allele origin: germline. Affected: yes.
Comment: Not observed at significant frequency in large population cohorts (gnomAD); In-frame deletion of 1 amino acid in a non-repeat region; In silico analysis supports a deleterious effect on protein structure/function; Has not been previously published as pathogenic or benign to our knowledge; Variants in candidate genes are classified as variants of uncertain significance in accordance with ACMG guidelines (Richards et al., 2015)

NM_001711.6(BGN):c.714CAA[1] (p.Asn239del)

Gene: BGN (biglycan; plus strand). Cytogenetic location: Xq28.
Variant type: Microsatellite.
Coding change: c.714CAA[1] on transcript NM_001711.6 (MANE Select); one copy of the 3-base unit CAA starting at c.714; the reference has two copies in a row; one copy, 3 bases deleted.
Protein change: p.Asn239del; deletes asparagine 239.
Genome position (GRCh38, 1-based): chrX:153,506,870-153,506,872, CAA deleted; deleting any 3 consecutive bases within chrX:153,506,866-153,506,872 gives the same sequence; the position shown is the placement nearest the transcript's 3' end. VCF-style (leftmost placement, unchanged base first): chrX-153506865-CACA-C. GRCh37 (hg19) VCF-style: chrX-152772323-CACA-C.
Other names: short protein forms N239del.
Identifiers: ClinVar variation 4526981 (VCV004526981.1).
Genomic context (GRCh38, chrX:153,506,865, plus strand): 5'-CCCCTGTGCCCTCTTCTCCTGGCAGACCTCCCTGAGACCCTGAATGAACTCCACCTAGAC[CACA>C]ACAAAATCCAGGCCATCGAACTGGAGGACCTGCTTCGCTACTCCAAGCTGTACAGGTGAG-3'